The following is an entry in ClinVar:

ClinVar aggregate classification (germline): Likely benign. Review status: criteria provided, single submitter (1 of 4 stars). 2 submissions from 2 submitters: Likely benign (1). 1 of the submissions does not count toward it. Last evaluated 2023-11-03.

Conditions:
Nephronophthisis 16 (NPHP16). Identifiers: Orphanet 655, MedGen C3809320, MONDO:0014158, OMIM 615382.
ANKS6-related disorder. Also called: ANKS6-related condition.

Allele frequency attached by ClinVar (database versions not stated): gnomAD exomes 0.00002 and 0.00004; ExAC 0.00006; ESP Exome Variant Server 0.00016; gnomAD 0.00006; TOPMed 0.00006.
gnomAD v4.1: 42 of 1,612,986 alleles (0.0026%); highest among the groups gnomAD compares: South Asian, 0.0055%; no homozygotes.

Submissions (2):

Labcorp Genetics (formerly Invitae), Labcorp
Classification: Likely benign for Nephronophthisis 16. Last evaluated: 2023-11-03. Review status: criteria provided, single submitter. Criteria: Invitae Variant Classification Sherloc (09022015). Collection method: clinical testing. Allele origin: germline.

PreventionGenetics, part of Exact Sciences
Classification: Likely benign for ANKS6-related condition. Last evaluated: 2019-06-05. Review status: no assertion criteria provided. Collection method: clinical testing. Allele origin: germline. Not counted in ClinVar's aggregate classification.
Comment: This variant is classified as likely benign based on ACMG/AMP sequence variant interpretation guidelines (Richards et al. 2015 PMID: 25741868, with internal and published modifications).

NM_173551.5(ANKS6):c.2094G>A (p.Pro698=)

Gene: ANKS6 (ankyrin repeat and sterile alpha motif domain containing 6; minus strand). Cytogenetic location: 9q22.33.
Variant type: single nucleotide variant.
Coding change: c.2094G>A on transcript NM_173551.5 (MANE Select); coding-DNA position 2094, G replaced by A.
Protein change: p.Pro698=; no amino-acid change (proline 698 retained).
Molecular consequence: synonymous variant.
Genome position (GRCh38, 1-based): chr9:98,768,129, C>T on the plus strand (G>A on the coding strand, the complement: ANKS6 is on the minus strand). VCF-style: chr9-98768129-C-T. GRCh37 (hg19) VCF-style: chr9-101530411-C-T.
Identifiers: ClinVar variation 720041 (VCV000720041.9), dbSNP rs368311212, ClinGen allele CA5153264.